The following is an entry in ClinVar:

ClinVar aggregate classification (germline): Pathogenic (1 of 4 stars; one submission).

Submission:

GeneDx
Classification: Pathogenic. Last evaluated: 2017-11-22. Review status: criteria provided, single submitter. Criteria: GeneDx Variant Classification (06012015). Collection method: clinical testing. Allele origin: germline. Affected: yes.
Comment: The c.238delA variant in the NEK8 gene has not been reported previously as a pathogenic variant nor as a benign variant, to our knowledge. The c.238delA variant causes a frameshift starting with codon Methionine, changes this amino acid to a Tryptophan residue, and creates a premature Stop codon at position 134 of the new reading frame, denoted p.Met80TrpfsX134. This variant is predicted to cause loss of normal protein function either through protein truncation or nonsense-mediated mRNA decay. The c.238delA variant is not observed in large population cohorts (Lek et al., 2016). We interpret c.238delA as a pathogenic variant.

NM_178170.3(NEK8):c.238del (p.Met80fs)

Gene: NEK8 (NIMA related kinase 8; plus strand). Cytogenetic location: 17q11.2.
Variant type: Deletion.
Coding change: c.238del on transcript NM_178170.3 (MANE Select); coding-DNA position 238, one base deleted (A; older notation c.238delA).
Protein change: p.Met80fs; shifts the reading frame from methionine 80.
Molecular consequence: frameshift variant.
Genome position (GRCh38, 1-based): chr17:28,734,173, A deleted. VCF-style (leftmost placement, unchanged base first): chr17-28734172-CA-C. GRCh37 (hg19) VCF-style: chr17-27061190-CA-C.
Other names: short protein forms M80fs.
Identifiers: ClinVar variation 503832 (VCV000503832.2), dbSNP rs1555563725, ClinGen allele CA658798740.